The following is an entry in ClinVar:

NM_001290060.2(SEMA3B):c.764C>T (p.Pro255Leu)

Gene: SEMA3B (semaphorin 3B; plus strand). Cytogenetic location: 3p21.31.
Variant type: single nucleotide variant.
Coding change: c.764C>T on transcript NM_001290060.2 (MANE Select); coding-DNA position 764, C replaced by T.
Protein change: p.Pro255Leu; replaces proline 255 with leucine.
Molecular consequence: missense variant. On other transcripts: 5 prime UTR variant (1), intron variant (1).
Genome position (GRCh38, 1-based): chr3:50,273,397, C>T. VCF-style: chr3-50273397-C-T. GRCh37 (hg19) VCF-style: chr3-50310828-C-T.
Other names: c.764C>T, p.Pro255Leu (NM_001005914.3, NM_001290061.1, NM_001435956.1 and 3 more transcripts); c.-263C>T (NM_001290062.2); c.-220+83C>T (NM_001290063.2); short protein forms P255L.
Identifiers: ClinVar variation 5002445 (VCV005002445.1).

ClinVar aggregate classification (germline): Uncertain significance (1 of 4 stars; one submission).

Conditions:
SEMA3B-related disorder. Also called: SEMA3B-related condition.

Submission:

PreventionGenetics, part of Exact Sciences
Classification: Uncertain significance for SEMA3B-related condition. Last evaluated: 2025-03-20. Review status: criteria provided, single submitter. Criteria: ACMG Guidelines, 2015. Collection method: clinical testing. Allele origin: germline.
Comment: The SEMA3B c.764C>T variant is predicted to result in the amino acid substitution p.Pro255Leu. To our knowledge, this variant has not been reported in the literature. This variant is reported in 0.00089% of alleles in individuals of European (Non-Finnish) descent in gnomAD. At this time, the clinical significance of this variant is uncertain due to the absence of conclusive functional and genetic evidence.